The following is an entry in ClinVar:

NM_138413.4(HOGA1):c.448del (p.Leu150fs)

Gene: HOGA1 (4-hydroxy-2-oxoglutarate aldolase 1; plus strand). Cytogenetic location: 10q24.2.
Variant type: Deletion.
Coding change: c.448del on transcript NM_138413.4 (MANE Select); coding-DNA position 448, one base deleted (C; older notation c.448delC).
Protein change: p.Leu150fs; shifts the reading frame from leucine 150.
Molecular consequence: frameshift variant. On other transcripts: intron variant (1).
Genome position (GRCh38, 1-based): chr10:97,599,196, C deleted; the last of 3 consecutive C bases (chr10:97,599,194-97,599,196); deleting any one gives the same sequence. VCF-style (leftmost placement, unchanged base first): chr10-97599193-GC-G. GRCh37 (hg19) VCF-style: chr10-99358950-GC-G.
Other names: c.212-2661del (NM_001134670.2); short protein forms L150fs.
Identifiers: ClinVar variation 556221 (VCV000556221.7), dbSNP rs746776892, ClinGen allele CA5634106.

ClinVar aggregate classification (germline): Pathogenic. Review status: criteria provided, single submitter (1 of 4 stars). 2 submissions from 2 submitters: Pathogenic (1). 1 of the submissions does not count toward it. Last evaluated 2024-02-17.

Conditions:
Primary hyperoxaluria type 3. Also called: PH III. Identifiers: Orphanet 416, Orphanet 93600, MedGen C3150878, MONDO:0013327, OMIM 613616. Disease mechanism: loss of function.

Submissions (2):

Labcorp Genetics (formerly Invitae), Labcorp
Classification: Pathogenic. Last evaluated: 2024-02-17. Review status: criteria provided, single submitter. Criteria: Invitae Variant Classification Sherloc (09022015). Collection method: clinical testing. Allele origin: germline.
Comment: This sequence change creates a premature translational stop signal (p.Leu150Serfs*46) in the HOGA1 gene. It is expected to result in an absent or disrupted protein product. Loss-of-function variants in HOGA1 are known to be pathogenic (PMID: 22391140, 22781098). This variant is present in population databases (rs746776892, gnomAD 0.01%). This variant has not been reported in the literature in individuals affected with HOGA1-related conditions. ClinVar contains an entry for this variant (Variation ID: 556221). For these reasons, this variant has been classified as Pathogenic.

Counsyl
Classification: Likely pathogenic for Primary hyperoxaluria type 3. Last evaluated: 2018-01-18. Review status: no assertion criteria provided. Collection method: clinical testing. Allele origin: unknown. Not counted in ClinVar's aggregate classification.

Literature cited by the submitters: PubMed 22391140 (cited by Labcorp Genetics (formerly Invitae), Labcorp); PubMed 22781098 (cited by Labcorp Genetics (formerly Invitae), Labcorp).